The following is an entry in ClinVar:

ClinVar aggregate classification (germline): Uncertain significance (1 of 4 stars; one submission).

Submission:

Labcorp Genetics (formerly Invitae), Labcorp
Classification: Uncertain significance. Last evaluated: 2021-12-10. Review status: criteria provided, single submitter. Criteria: Invitae Variant Classification Sherloc (09022015). Collection method: clinical testing. Allele origin: germline.
Comment: In summary, the available evidence is currently insufficient to determine the role of this variant in disease. Therefore, it has been classified as a Variant of Uncertain Significance. Algorithms developed to predict the effect of missense changes on protein structure and function (SIFT, PolyPhen-2, Align-GVGD) all suggest that this variant is likely to be tolerated. This variant has not been reported in the literature in individuals affected with USH2A-related conditions. This variant is not present in population databases (gnomAD no frequency). This sequence change replaces proline, which is neutral and non-polar, with alanine, which is neutral and non-polar, at codon 5093 of the USH2A protein (p.Pro5093Ala).

NM_206933.4(USH2A):c.15277C>G (p.Pro5093Ala)

Gene: USH2A (usherin; minus strand). Cytogenetic location: 1q41.
Variant type: single nucleotide variant.
Coding change: c.15277C>G on transcript NM_206933.4 (MANE Select); coding-DNA position 15277, C replaced by G.
Protein change: p.Pro5093Ala; replaces proline 5093 with alanine.
Molecular consequence: missense variant.
Genome position (GRCh38, 1-based): chr1:215,634,479, G>C on the plus strand (C>G on the coding strand, the complement: USH2A is on the minus strand). VCF-style: chr1-215634479-G-C. GRCh37 (hg19) VCF-style: chr1-215807821-G-C.
Other names: short protein forms P5093A.
Identifiers: ClinVar variation 1414396 (VCV001414396.6), dbSNP rs758329379, ClinGen allele CA344823339.